The following is an entry in ClinVar:

NM_001009944.3(PKD1):c.11270-10dup

Genes: PKD1 (polycystin 1, transient receptor potential channel interacting; minus strand), PKD1-AS1 (PKD1 antisense RNA 1; plus strand). Cytogenetic location: 16p13.3.
Variant type: Duplication.
Coding change: c.11270-10dup on transcript NM_001009944.3 (MANE Select); 10 bases into the intron before coding-DNA position 11270, one base duplicated (T; older notation c.11270-10dupT).
Molecular consequence: intron variant.
Genome position (GRCh38, 1-based): chr16:2,092,198, A duplicated on the plus strand (T on the coding strand, the reverse complement: PKD1 is on the minus strand). VCF-style (leftmost placement, unchanged base first): chr16-2092197-C-CA. GRCh37 (hg19) VCF-style: chr16-2142198-C-CA.
Other names: c.11267-10dup (NM_000296.4).
Identifiers: ClinVar variation 4998903 (VCV004998903.1).

ClinVar aggregate classification (germline): Likely benign (1 of 4 stars; one submission).

Conditions:
PKD1-related disorder. Also called: PKD1-related condition.

Submission:

PreventionGenetics, part of Exact Sciences
Classification: Likely benign for PKD1-related condition. Last evaluated: 2025-05-23. Review status: criteria provided, single submitter. Criteria: ACMG Guidelines, 2015. Collection method: clinical testing. Allele origin: germline.
Comment: This variant is classified as likely benign based on ACMG/AMP sequence variant interpretation guidelines (Richards et al. 2015 PMID: 25741868, with internal and published modifications).